The following is an entry in ClinVar:

ClinVar aggregate classification (germline): Uncertain significance (1 of 4 stars; one submission).

Conditions:
Baller-Gerold syndrome (BGS). Also called: CRANIOSYNOSTOSIS WITH RADIAL DEFECTS. Identifiers: Orphanet 1225, MedGen C0265308, MONDO:0009039, OMIM 218600.

gnomAD v4.1: 2 of 1,600,082 alleles (0.00012%); highest among the groups gnomAD compares: Non-Finnish European, 0.00017%; no homozygotes.

Submission:

Labcorp Genetics (formerly Invitae), Labcorp
Classification: Uncertain significance for Baller-Gerold syndrome. Last evaluated: 2022-07-05. Review status: criteria provided, single submitter. Criteria: Invitae Variant Classification Sherloc (09022015). Collection method: clinical testing. Allele origin: germline.
Comment: ClinVar contains an entry for this variant (Variation ID: 1038560). In summary, the available evidence is currently insufficient to determine the role of this variant in disease. Therefore, it has been classified as a Variant of Uncertain Significance. Experimental studies and prediction algorithms are not available or were not evaluated, and the functional significance of this variant is currently unknown. This variant has not been reported in the literature in individuals affected with RECQL4-related conditions. This variant is present in population databases (no rsID available, gnomAD 0.002%). This sequence change replaces arginine, which is basic and polar, with glycine, which is neutral and non-polar, at codon 570 of the RECQL4 protein (p.Arg570Gly).

NM_004260.4(RECQL4):c.1708C>G (p.Arg570Gly)

Gene: RECQL4 (RecQ like helicase 4; minus strand). Cytogenetic location: 8q24.3.
Variant type: single nucleotide variant.
Coding change: c.1708C>G on transcript NM_004260.4 (MANE Select); coding-DNA position 1708, C replaced by G.
Protein change: p.Arg570Gly; replaces arginine 570 with glycine.
Molecular consequence: missense variant.
Genome position (GRCh38, 1-based): chr8:144,514,359, G>C on the plus strand (C>G on the coding strand, the complement: RECQL4 is on the minus strand). VCF-style: chr8-144514359-G-C. GRCh37 (hg19) VCF-style: chr8-145739743-G-C.
Other names: short protein forms R570G.
Identifiers: ClinVar variation 1038560 (VCV001038560.5), dbSNP rs373178405, ClinGen allele CA372681314.